The following is an entry in ClinVar:

NM_032590.5(KDM2B):c.3993_3995del (p.Leu1332del)

Gene: KDM2B (lysine demethylase 2B; minus strand). Cytogenetic location: 12q24.31.
Variant type: Deletion.
Coding change: c.3993_3995del on transcript NM_032590.5 (MANE Select); coding-DNA positions 3993 to 3995, 3 bases deleted (CCT; older notation c.3993_3995delCCT).
Protein change: p.Leu1332del; deletes leucine 1332.
Molecular consequence: inframe deletion. On other transcripts: intron variant (5).
Genome position (GRCh38, 1-based): chr12:121,430,304-121,430,306, AGG deleted on the plus strand (CCT on the coding strand, the reverse complement: KDM2B is on the minus strand); deleting any 3 consecutive bases within chr12:121,430,304-121,430,308 gives the same sequence; the c. name uses the placement nearest the transcript's 3' end. VCF-style (leftmost placement, unchanged base first): chr12-121430303-CAGG-C. GRCh37 (hg19) VCF-style: chr12-121868106-CAGG-C.
Other names: c.4089_4091del, p.Leu1364del (NM_001439014.1); c.4071_4073del, p.Leu1358del (NM_001439016.1); c.3993_3995del, p.Leu1332del (NM_001439017.1); c.3978_3980del, p.Leu1327del (NM_001439020.1); c.3960_3962del, p.Leu1321del (NM_001439021.1); c.3930_3932del, p.Leu1311del (NM_001439022.1); c.3900_3902del, p.Leu1301del (NM_001439025.1); c.3882_3884del, p.Leu1295del (NM_001439028.1); and 7 more; short protein forms L1273del, L1295del, L1301del, L1311del, L1321del, L1327del, L1332del, L1358del.
Identifiers: ClinVar variation 4281774 (VCV004281774.1).

ClinVar aggregate classification (germline): Uncertain significance (1 of 4 stars; one submission).

Submission:

GeneDx
Classification: Uncertain significance. Last evaluated: 2025-04-14. Review status: criteria provided, single submitter. Criteria: GeneDx Variant Classification Process June 2021. Collection method: clinical testing. Allele origin: germline. Affected: yes.
Comment: In-frame deletion of 1 amino acid in a non-repeat region; In silico analysis supports a deleterious effect on protein structure/function; Has not been previously published as pathogenic or benign to our knowledge